The following is an entry in ClinVar:

ClinVar aggregate classification (germline): Uncertain significance (1 of 4 stars; one submission).

Conditions:
Cognitive impairment - coarse facies - heart defects - obesity - pulmonary involvement - short stature - skeletal dysplasia syndrome. Also called: COGNITIVE IMPAIRMENT, COARSE FACIES, HEART DEFECTS, OBESITY, PULMONARY INVOLVEMENT, SHORT STATURE, AND SKELETAL DYSPLASIA; Chops syndrome; AFF4-Related CHOPS Syndrome. Identifiers: Orphanet 444077, MedGen C4085597, MONDO:0014609, OMIM 616368.

Allele frequency attached by ClinVar (database versions not stated): gnomAD exomes below 0.00001; TOPMed below 0.00001.
gnomAD v4.1: 2 of 1,587,762 alleles (0.00013%); highest among the groups gnomAD compares: Admixed American, 0.0033%; no homozygotes.

Submission:

Labcorp Genetics (formerly Invitae), Labcorp
Classification: Uncertain significance for Cognitive impairment - coarse facies - heart defects - obesity - pulmonary involvement - short stature - skeletal dysplasia syndrome. Last evaluated: 2024-11-27. Review status: criteria provided, single submitter. Criteria: Invitae Variant Classification Sherloc (09022015). Collection method: clinical testing. Allele origin: germline.
Comment: This sequence change falls in intron 6 of the AFF4 gene. It does not directly change the encoded amino acid sequence of the AFF4 protein. This variant is present in population databases (no rsID available, gnomAD 0.003%). This variant has not been reported in the literature in individuals affected with AFF4-related conditions. ClinVar contains an entry for this variant (Variation ID: 2694080). Algorithms developed to predict the effect of sequence changes on RNA splicing suggest that this variant may disrupt the consensus splice site. In summary, the available evidence is currently insufficient to determine the role of this variant in disease. Therefore, it has been classified as a Variant of Uncertain Significance.

NM_014423.4(AFF4):c.1088-20C>G

Gene: AFF4 (ALF transcription elongation factor 4; minus strand). Cytogenetic location: 5q31.1.
Variant type: single nucleotide variant.
Coding change: c.1088-20C>G on transcript NM_014423.4 (MANE Select); 20 bases into the intron before coding-DNA position 1088, C replaced by G.
Molecular consequence: intron variant.
Genome position (GRCh38, 1-based): chr5:132,902,507, G>C on the plus strand (C>G on the coding strand, the complement: AFF4 is on the minus strand). VCF-style: chr5-132902507-G-C. GRCh37 (hg19) VCF-style: chr5-132238199-G-C.
Identifiers: ClinVar variation 2694080 (VCV002694080.3), dbSNP rs1282036513, ClinGen allele CA562782839.